The following is an entry in ClinVar:

ClinVar aggregate classification (germline): Benign (1 of 4 stars; one submission).

Allele frequency attached by ClinVar (database versions not stated): gnomAD exomes 0.00225; gnomAD 0.02297 and 0.02447; ESP Exome Variant Server 0.02453; TOPMed 0.02569; 1000 Genomes Project 0.02815; 1000 Genomes Project 30x 0.03061.
gnomAD v4.1: 6,863 of 1,585,328 alleles (0.43%); highest among the groups gnomAD compares: African/African-American, 7.9%; 284 homozygotes.

Submission:

GeneDx
Classification: Benign. Last evaluated: 2018-06-14. Review status: criteria provided, single submitter. Criteria: GeneDx Variant Classification (06012015). Collection method: clinical testing. Allele origin: germline. Affected: yes.
Comment: This variant is considered likely benign or benign based on one or more of the following criteria: it is a conservative change, it occurs at a poorly conserved position in the protein, it is predicted to be benign by multiple in silico algorithms, and/or has population frequency not consistent with disease.

NM_001844.5(COL2A1):c.3274-73A>G

Gene: COL2A1 (collagen type II alpha 1 chain; minus strand). Cytogenetic location: 12q13.11.
Variant type: single nucleotide variant.
Coding change: c.3274-73A>G on transcript NM_001844.5 (MANE Select); 73 bases into the intron before coding-DNA position 3274, A replaced by G.
Molecular consequence: intron variant.
Genome position (GRCh38, 1-based): chr12:47,977,228, T>C on the plus strand (A>G on the coding strand, the complement: COL2A1 is on the minus strand). VCF-style: chr12-47977228-T-C. GRCh37 (hg19) VCF-style: chr12-48371011-T-C.
Other names: c.3067-73A>G (NM_033150.3).
Identifiers: ClinVar variation 676704 (VCV000676704.1), dbSNP rs41272751, ClinGen allele CA236520880.
Genomic context (GRCh38, chr12:47,977,228, plus strand): 5'-TGAGCGCAGCGTCAGAGAAAAGCCAGGACAGGTGGGGGCCTCCTCTGCATCTGAGGCCAC[T>C]GCTCCTTAGTCCAGAGACTGCGGAAACCCAGGGACTGCCTCAGCCCCACCGCGCAGGGGA-3'